The following is an entry in ClinVar:

ClinVar aggregate classification (germline): Uncertain significance (1 of 4 stars; one submission).

Conditions:
Rubinstein-Taybi syndrome (RSTS). Identifiers: Orphanet 783, MedGen C0035934, MONDO:0019188.

Submission:

Labcorp Genetics (formerly Invitae), Labcorp
Classification: Uncertain significance for Rubinstein-Taybi syndrome. Last evaluated: 2022-08-31. Review status: criteria provided, single submitter. Criteria: Invitae Variant Classification Sherloc (09022015). Collection method: clinical testing. Allele origin: germline.
Comment: In summary, the available evidence is currently insufficient to determine the role of this variant in disease. Therefore, it has been classified as a Variant of Uncertain Significance. Advanced modeling of protein sequence and biophysical properties (such as structural, functional, and spatial information, amino acid conservation, physicochemical variation, residue mobility, and thermodynamic stability) performed at Invitae indicates that this missense variant is not expected to disrupt CREBBP protein function. This variant has not been reported in the literature in individuals affected with CREBBP-related conditions. This variant is not present in population databases (gnomAD no frequency). This sequence change replaces asparagine, which is neutral and polar, with serine, which is neutral and polar, at codon 713 of the CREBBP protein (p.Asn713Ser).

NM_004380.3(CREBBP):c.2138A>G (p.Asn713Ser)

Gene: CREBBP (CREB binding lysine acetyltransferase; minus strand). Cytogenetic location: 16p13.3.
Variant type: single nucleotide variant.
Coding change: c.2138A>G on transcript NM_004380.3 (MANE Select); coding-DNA position 2138, A replaced by G.
Protein change: p.Asn713Ser; replaces asparagine 713 with serine.
Molecular consequence: missense variant.
Genome position (GRCh38, 1-based): chr16:3,777,633, T>C on the plus strand (A>G on the coding strand, the complement: CREBBP is on the minus strand). VCF-style: chr16-3777633-T-C. GRCh37 (hg19) VCF-style: chr16-3827634-T-C.
Other names: c.2024A>G, p.Asn675Ser (NM_001079846.1); short protein forms N675S, N713S.
Identifiers: ClinVar variation 2008281 (VCV002008281.4), dbSNP rs2053175196, ClinGen allele CA394554075.